The following is an entry in ClinVar:

NM_198576.4(AGRN):c.3598G>A (p.Val1200Ile)

Gene: AGRN (agrin; plus strand). Cytogenetic location: 1p36.33.
Variant type: single nucleotide variant.
Coding change: c.3598G>A on transcript NM_198576.4 (MANE Select); coding-DNA position 3598, G replaced by A.
Protein change: p.Val1200Ile; replaces valine 1200 with isoleucine.
Molecular consequence: missense variant.
Genome position (GRCh38, 1-based): chr1:1,047,654, G>A. VCF-style: chr1-1047654-G-A. GRCh37 (hg19) VCF-style: chr1-983034-G-A.
Other names: c.3598G>A, p.Val1200Ile (NM_001305275.2); c.3283G>A, p.Val1095Ile (NM_001364727.2); short protein forms V1095I, V1200I.
Identifiers: ClinVar variation 1015087 (VCV001015087.2), dbSNP rs755901578, ClinGen allele CA509148.

ClinVar aggregate classification (germline): Uncertain significance (1 of 4 stars; one submission).

Conditions:
Congenital myasthenic syndrome 8. Also called: MYASTHENIC SYNDROME, CONGENITAL, DUE TO AGRIN DEFICIENCY; Myasthenic syndrome, congenital, 8, with pre- and postsynaptic defects. Identifiers: Orphanet 590, MedGen C3808739, MONDO:0014052, OMIM 615120.

Allele frequency attached by ClinVar (database versions not stated): TOPMed 0.00003; gnomAD exomes 0.00004; ExAC 0.00002.
gnomAD v4.1: 13 of 1,613,082 alleles (0.00081%); highest among the groups gnomAD compares: Admixed American, 0.01%; no homozygotes.

Submission:

Labcorp Genetics (formerly Invitae), Labcorp
Classification: Uncertain significance for Congenital myasthenic syndrome 8. Last evaluated: 2021-12-03. Review status: criteria provided, single submitter. Criteria: Invitae Variant Classification Sherloc (09022015). Collection method: clinical testing. Allele origin: germline.
Comment: This sequence change replaces valine, which is neutral and non-polar, with isoleucine, which is neutral and non-polar, at codon 1200 of the AGRN protein (p.Val1200Ile). This variant is present in population databases (rs755901578, gnomAD 0.02%). This variant has not been reported in the literature in individuals affected with AGRN-related conditions. ClinVar contains an entry for this variant (Variation ID: 1015087). Algorithms developed to predict the effect of missense changes on protein structure and function (SIFT, PolyPhen-2, Align-GVGD) all suggest that this variant is likely to be tolerated. In summary, the available evidence is currently insufficient to determine the role of this variant in disease. Therefore, it has been classified as a Variant of Uncertain Significance.